The following is an entry in ClinVar:

NM_004006.3(DMD):c.9564-286G>A

Gene: DMD (dystrophin; minus strand). Cytogenetic location: Xp21.2.
Variant type: single nucleotide variant.
Coding change: c.9564-286G>A on transcript NM_004006.3 (MANE Select); 286 bases into the intron before coding-DNA position 9564, G replaced by A.
Molecular consequence: intron variant.
Genome position (GRCh38, 1-based): chrX:31,206,953, C>T on the plus strand (G>A on the coding strand, the complement: DMD is on the minus strand). VCF-style: chrX-31206953-C-T. GRCh37 (hg19) VCF-style: chrX-31225070-C-T.
Other names: NC_000023.10:g.31225070C>T; c.9540-286G>A (NM_000109.4); c.5541-286G>A (NM_004011.4); c.5532-286G>A (NM_004012.4); c.2184-286G>A (NM_004023.3, NM_004020.4, NM_004022.3 and 2 more transcripts); c.1377-286G>A (NM_004014.3); c.360-286G>A (NM_004018.3, NM_004017.3, NM_004016.3 and 2 more transcripts); c.9552-286G>A (NM_004009.3); and 1 more.
Identifiers: ClinVar variation 679470 (VCV000679470.2), dbSNP rs72466552, ClinGen allele CA328407935.

ClinVar aggregate classification (germline): Benign (1 of 4 stars; one submission).

Allele frequency attached by ClinVar (database versions not stated): gnomAD 0.05698 and 0.05685; 1000 Genomes Project 30x 0.00978; TOPMed 0.02047; 1000 Genomes Project 0.00795.
gnomAD v4.1: 2,470 of 43,424 alleles (5.7%); highest among the groups gnomAD compares: Admixed American, 10%; 22 homozygotes.

Submissions (2):

GeneDx
Classification: Benign. Last evaluated: 2018-06-14. Review status: criteria provided, single submitter. Criteria: GeneDx Variant Classification (06012015). Collection method: clinical testing. Allele origin: germline. Affected: yes.
Comment: This variant is considered likely benign or benign based on one or more of the following criteria: it is a conservative change, it occurs at a poorly conserved position in the protein, it is predicted to be benign by multiple in silico algorithms, and/or has population frequency not consistent with disease.

Dr. Peter K. Rogan Lab, Western University
No classification provided (evidence only). Condition: Malignant lymphoma, large B-cell, diffuse. Review status: no classification provided. Collection method: in vitro. Allele origin: not applicable. Functional consequence: retained intron. Not counted in ClinVar's aggregate classification.